The following is an entry in ClinVar:

NM_020207.7(ERCC6L2):c.1825A>G (p.Asn609Asp)

Gene: ERCC6L2 (ERCC excision repair 6 like 2; plus strand). Cytogenetic location: 9q22.32.
Variant type: single nucleotide variant.
Coding change: c.1825A>G on transcript NM_020207.7 (MANE Select); coding-DNA position 1825, A replaced by G.
Protein change: p.Asn609Asp; replaces asparagine 609 with aspartic acid.
Molecular consequence: missense variant. On other transcripts: non-coding transcript variant (1).
Genome position (GRCh38, 1-based): chr9:95,941,527, A>G. VCF-style: chr9-95941527-A-G. GRCh37 (hg19) VCF-style: chr9-98703809-A-G.
Other names: c.1825A>G, p.Asn609Asp (NM_001010895.4, NM_001375291.1, NM_001375292.1 and 2 more transcripts); short protein forms N609D.
Identifiers: ClinVar variation 1984222 (VCV001984222.2), dbSNP rs1830798767, ClinGen allele CA374119139.

ClinVar aggregate classification (germline): Uncertain significance. Review status: criteria provided, multiple submitters, no conflicts (2 of 4 stars). 2 submissions from 2 submitters: Uncertain significance (2). Last evaluated 2025-06-21.

Conditions:
Inborn genetic diseases. Identifiers: MedGen C0950123, MeSH D030342.

Allele frequency attached by ClinVar (database versions not stated): gnomAD exomes below 0.00001.
gnomAD v4.1: 2 of 1,612,928 alleles (0.00012%); highest among the groups gnomAD compares: Non-Finnish European, 0.00017%; no homozygotes.

Submissions (2):

Ambry Genetics
Classification: Uncertain significance for Inborn genetic diseases. Last evaluated: 2025-06-21. Review status: criteria provided, single submitter. Criteria: Ambry Variant Classification Scheme 2023. Collection method: clinical testing. Allele origin: germline.
Comment: The p.N609D variant (also known as c.1825A>G), located in coding exon 12 of the ERCC6L2 gene, results from an A to G substitution at nucleotide position 1825. The asparagine at codon 609 is replaced by aspartic acid, an amino acid with highly similar properties. This amino acid position is conserved. In addition, this alteration is predicted to be tolerated by in silico analysis. Based on the available evidence, the clinical significance of this variant remains unclear.

Labcorp Genetics (formerly Invitae), Labcorp
Classification: Uncertain significance. Last evaluated: 2022-10-05. Review status: criteria provided, single submitter. Criteria: Invitae Variant Classification Sherloc (09022015). Collection method: clinical testing. Allele origin: germline.
Comment: This sequence change replaces asparagine, which is neutral and polar, with aspartic acid, which is acidic and polar, at codon 620 of the ERCC6L2 protein (p.Asn620Asp). This variant is not present in population databases (gnomAD no frequency). This variant has not been reported in the literature in individuals affected with ERCC6L2-related conditions. Algorithms developed to predict the effect of missense changes on protein structure and function are either unavailable or do not agree on the potential impact of this missense change (SIFT: "Deleterious"; PolyPhen-2: "Not Available"; Align-GVGD: "Class C0"). In summary, the available evidence is currently insufficient to determine the role of this variant in disease. Therefore, it has been classified as a Variant of Uncertain Significance.